The following is an entry in ClinVar:

ClinVar aggregate classification (germline): Uncertain significance (1 of 4 stars; one submission).

Conditions:
Immunodeficiency 51 (IMD51). Also called: CANDIDIASIS, FAMILIAL, 5. Identifiers: Orphanet 1334, MedGen C4310803, MONDO:0013500, OMIM 613953.

Allele frequency attached by ClinVar (database versions not stated): gnomAD exomes 0.00002.
gnomAD v4.1: 21 of 1,492,308 alleles (0.0014%); highest among the groups gnomAD compares: Non-Finnish European, 0.0019%; no homozygotes.

Submission:

Labcorp Genetics (formerly Invitae), Labcorp
Classification: Uncertain significance for Immunodeficiency 51. Last evaluated: 2023-12-06. Review status: criteria provided, single submitter. Criteria: Invitae Variant Classification Sherloc (09022015). Collection method: clinical testing. Allele origin: germline.
Comment: This sequence change replaces alanine, which is neutral and non-polar, with threonine, which is neutral and polar, at codon 672 of the IL17RA protein (p.Ala672Thr). This variant is not present in population databases (gnomAD no frequency). This variant has not been reported in the literature in individuals affected with IL17RA-related conditions. ClinVar contains an entry for this variant (Variation ID: 1978266). Advanced modeling of protein sequence and biophysical properties (such as structural, functional, and spatial information, amino acid conservation, physicochemical variation, residue mobility, and thermodynamic stability) performed at Invitae indicates that this missense variant is not expected to disrupt IL17RA protein function with a negative predictive value of 80%. In summary, the available evidence is currently insufficient to determine the role of this variant in disease. Therefore, it has been classified as a Variant of Uncertain Significance.

NM_014339.7(IL17RA):c.2014G>A (p.Ala672Thr)

Gene: IL17RA (interleukin 17 receptor A; plus strand). Cytogenetic location: 22q11.1.
Variant type: single nucleotide variant.
Coding change: c.2014G>A on transcript NM_014339.7 (MANE Select); coding-DNA position 2014, G replaced by A.
Protein change: p.Ala672Thr; replaces alanine 672 with threonine.
Molecular consequence: missense variant.
Genome position (GRCh38, 1-based): chr22:17,109,233, G>A. VCF-style: chr22-17109233-G-A. GRCh37 (hg19) VCF-style: chr22-17590123-G-A.
Other names: c.1912G>A, p.Ala638Thr (NM_001289905.2); short protein forms A638T, A672T.
Identifiers: ClinVar variation 1978266 (VCV001978266.4), dbSNP rs1262180152, ClinGen allele CA410220094.